The following is an entry in ClinVar:

ClinVar aggregate classification (germline): Uncertain significance (1 of 4 stars; one submission).

Allele frequency attached by ClinVar (database versions not stated): gnomAD exomes below 0.00001; TOPMed below 0.00001; ExAC 0.00001.

Submission:

Labcorp Genetics (formerly Invitae), Labcorp
Classification: Uncertain significance. Last evaluated: 2022-04-04. Review status: criteria provided, single submitter. Criteria: Invitae Variant Classification Sherloc (09022015). Collection method: clinical testing. Allele origin: germline.
Comment: This sequence change results in a frameshift in the POLD2 gene (p.*505Leuext*24). It is expected to extend the protein by 24 additional amino acid residues. This variant is present in population databases (rs754937998, gnomAD 0.003%). This variant has not been reported in the literature in individuals affected with POLD2-related conditions. Experimental studies and prediction algorithms are not available or were not evaluated, and the functional significance of this variant is currently unknown. In summary, the available evidence is currently insufficient to determine the role of this variant in disease. Therefore, it has been classified as a Variant of Uncertain Significance.

NM_006230.4(POLD2):c.1400dup (p.Ter470LeuextTer?)

Gene: POLD2 (DNA polymerase delta 2, accessory subunit; minus strand). Cytogenetic location: 7p13.
Variant type: Duplication.
Coding change: c.1400dup on transcript NM_006230.4 (MANE Select); coding-DNA position 1400, one base duplicated (T; older notation c.1400dupT).
Protein change: p.Ter470LeuextTer?.
Molecular consequence: frameshift variant.
Genome position (GRCh38, 1-based): chr7:44,114,795, A duplicated on the plus strand (T on the coding strand, the reverse complement: POLD2 is on the minus strand). VCF-style (leftmost placement, unchanged base first): chr7-44114794-C-CA. GRCh37 (hg19) VCF-style: chr7-44154393-C-CA.
Other names: c.1400dup, p.Ter470LeuextTer? (NM_001127218.3, NM_001256879.2).
Identifiers: ClinVar variation 1971924 (VCV001971924.5), dbSNP rs754937998, ClinGen allele CA4238528.